The following is an entry in ClinVar:

NM_005428.4(VAV1):c.1172del (p.Glu391fs)

Gene: VAV1 (vav guanine nucleotide exchange factor 1; plus strand). Cytogenetic location: 19p13.3.
Variant type: Deletion.
Coding change: c.1172del on transcript NM_005428.4 (MANE Select); coding-DNA position 1172, one base deleted (A; older notation c.1172delA).
Protein change: p.Glu391fs; shifts the reading frame from glutamic acid 391.
Molecular consequence: frameshift variant.
Genome position (GRCh38, 1-based): chr19:6,828,701, A deleted. VCF-style (leftmost placement, unchanged base first): chr19-6828700-GA-G. GRCh37 (hg19) VCF-style: chr19-6828711-GA-G.
Other names: c.1172del, p.Glu391fs (NM_001258206.2); c.1076del, p.Glu359fs (NM_001258207.2); short protein forms E359fs, E391fs.
Identifiers: ClinVar variation 2762114 (VCV002762114.3), dbSNP rs2512370705, ClinGen allele CA2697556141.
Genomic context (GRCh38, chr19:6,828,700, plus strand): 5'-AACGAGGTCAAGCGAGACAACGAGACACTGCGACAGATCACCAATTTCCAGCTGTCCATT[GA>G]GAACCTGGTGAGGCGGTGGAGCCGGGTGGGCCAGGGGTGTGGCCACGTGGGGAGAGTGTG-3'

ClinVar aggregate classification (germline): Uncertain significance (1 of 4 stars; one submission).

Submission:

Labcorp Genetics (formerly Invitae), Labcorp
Classification: Uncertain significance. Last evaluated: 2023-10-09. Review status: criteria provided, single submitter. Criteria: Invitae Variant Classification Sherloc (09022015). Collection method: clinical testing. Allele origin: germline.
Comment: This sequence change creates a premature translational stop signal (p.Glu391Glyfs*57) in the VAV1 gene. It is expected to result in an absent or disrupted protein product. However, the current clinical and genetic evidence is not sufficient to establish whether loss-of-function variants in VAV1 cause disease. This variant is not present in population databases (gnomAD no frequency). This variant has not been reported in the literature in individuals affected with VAV1-related conditions. In summary, the available evidence is currently insufficient to determine the role of this variant in disease. Therefore, it has been classified as a Variant of Uncertain Significance.